The following is an entry in ClinVar:

NM_000455.5(STK11):c.971C>T (p.Pro324Leu)

Gene: STK11 (serine/threonine kinase 11; plus strand). Cytogenetic location: 19p13.3.
Variant type: single nucleotide variant.
Coding change: c.971C>T on transcript NM_000455.5 (MANE Select); coding-DNA position 971, C replaced by T.
Protein change: p.Pro324Leu; replaces proline 324 with leucine.
Molecular consequence: missense variant.
Genome position (GRCh38, 1-based): chr19:1,223,035, C>T. VCF-style: chr19-1223035-C-T. GRCh37 (hg19) VCF-style: chr19-1223034-C-T.
Other names: short protein forms P324L.
Identifiers: ClinVar variation 135931 (VCV000135931.34), dbSNP rs367807476, ClinGen allele CA023385.
Genomic context (GRCh38, chr19:1,223,035, plus strand): 5'-GCGTTTGCAGCTGGTTCCGGAAGAAACATCCTCCGGCTGAAGCACCAGTGCCCATCCCAC[C>T]GAGCCCAGACACCAAGGACCGGTGGCGCAGCATGACTGTGGTGCCGTACTTGGAGGACCT-3'
Protein context (NP_000446.1, residues 314-334): PPAEAPVPIP[Pro324Leu]SPDTKDRWRS

ClinVar aggregate classification (germline): Uncertain significance. Review status: criteria provided, multiple submitters, no conflicts (2 of 4 stars). 11 submissions from 11 submitters: Uncertain significance (10). 1 of the submissions does not count toward it. Last evaluated 2026-03-20.

Conditions:
Hereditary cancer-predisposing syndrome. Also called: Tumor predisposition; Hereditary neoplastic syndrome; Neoplastic Syndromes, Hereditary; Hereditary Cancer Syndrome. Identifiers: Orphanet 140162, MedGen C0027672, MeSH D009386, MONDO:0015356.
Melanoma, cutaneous malignant, susceptibility to, 1 (CMM1). Also called: MELANOMA, MALIGNANT; B-K MOLE SYNDROME; FAMILIAL ATYPICAL MOLE-MALIGNANT MELANOMA SYNDROME; DYSPLASTIC NEVUS SYNDROME, HEREDITARY. Identifiers: Orphanet 618, MedGen C1835047, MONDO:0007963, OMIM 155600.
Peutz-Jeghers syndrome (PJS). Also called: Peutz-Jeghers polyposis; Periorificial lentiginosis syndrome; POLYPOSIS, HAMARTOMATOUS INTESTINAL; POLYPS-AND-SPOTS SYNDROME. Identifiers: Orphanet 2869, MedGen C0031269, MeSH D010580, MONDO:0008280, OMIM 175200.

Allele frequency attached by ClinVar (database versions not stated): gnomAD 0.00001; gnomAD exomes 0.00001; TOPMed 0.00002; ExAC 0.00005; ESP Exome Variant Server 0.00008.
gnomAD v4.1: 22 of 1,594,152 alleles (0.0014%); highest among the groups gnomAD compares: African/African-American, 0.0027%; no homozygotes.

Submissions (11):

Ambry Genetics
Classification: Uncertain significance for Hereditary cancer-predisposing syndrome. Last evaluated: 2026-03-20. Review status: criteria provided, single submitter. Criteria: Ambry Variant Classification Scheme 2023. Collection method: clinical testing. Allele origin: germline.
Comment: The p.P324L variant (also known as c.971C>T), located in coding exon 8 of the STK11 gene, results from a C to T substitution at nucleotide position 971. The proline at codon 324 is replaced by leucine, an amino acid with similar properties. In one study, this alteration is located in the C-terminal non-catalytic region and did not affect the ability of STK11 to assemble into active complexes (Zeqiraj E et al. Science 2009 Dec;326:1707-11). Another study demonstrated that this alteration impairs activation of the AMPK pathway along with downstream pathways and impairs the polarizing activity of STK11 in intestinal epithelial cells as well as astrocytes (Forcet C et al. Hum. Mol. Genet. 2005 May;14(10):1283-92). This amino acid position is well conserved in available vertebrate species. In addition, the in silico prediction for this alteration is inconclusive. Since supporting evidence is limited at this time, the clinical significance of this alteration remains unclear.

Labcorp Genetics (formerly Invitae), Labcorp
Classification: Uncertain significance for Peutz-Jeghers syndrome. Last evaluated: 2026-01-11. Review status: criteria provided, single submitter. Criteria: Invitae Variant Classification Sherloc (09022015). Collection method: clinical testing. Allele origin: germline.
Comment: This sequence change replaces proline, which is neutral and non-polar, with leucine, which is neutral and non-polar, at codon 324 of the STK11 protein (p.Pro324Leu). The frequency data for this variant in the population databases is considered unreliable, as metrics indicate poor data quality at this position in the gnomAD database. This missense change has been observed in individual(s) with breast cancer, colorectal cancer and/or Peutz–Jeghers syndrome (PJS) (PMID: 10780518, 34326862). ClinVar contains an entry for this variant (Variation ID: 135931). Invitae Evidence Modeling of protein sequence and biophysical properties (such as structural, functional, and spatial information, amino acid conservation, physicochemical variation, residue mobility, and thermodynamic stability) indicates that this missense variant is not expected to disrupt STK11 protein function with a negative predictive value of 95%. Experimental studies are conflicting or provide insufficient evidence to determine the effect of this variant on STK11 function (PMID: 15800014, 19892943). In summary, the available evidence is currently insufficient to determine the role of this variant in disease. Therefore, it has been classified as a Variant of Uncertain Significance.

Quest Diagnostics Nichols Institute San Juan Capistrano
Classification: Uncertain significance. Last evaluated: 2025-10-27. Review status: criteria provided, single submitter. Criteria: Quest Diagnostics criteria. Collection method: clinical testing. Allele origin: unknown.
Comment: The STK11 c.971C>T (p.Pro324Leu) variant has been reported in the published literature in individuals with Peutz-Jeghers syndrome (PMID: 10780518 (2000)), colorectal cancer (PMID: 34326862 (2021)), and breast cancer (PMIDs: 34326862 (2021), 33471991 (2021), see also LOVD). Assessment of experimental analysis yielded inconclusive results regarding the impact of this variant on protein function (PMIDs: 19892943 (2009), 15800014 (2005)). The frequency of this variant in the general population (Genome Aggregation Database) is uninformative in the assessment of its pathogenicity. Analysis of this variant using bioinformatics tools for the prediction of the effect of amino acid changes on protein structure and function yielded predictions that this variant is benign. Based on the available information, we are unable to determine the clinical significance of this variant.

Color Diagnostics, LLC DBA Color Health
Classification: Uncertain significance for Hereditary cancer-predisposing syndrome. Last evaluated: 2025-08-27. Review status: criteria provided, single submitter. Criteria: ACMG Guidelines, 2015. Collection method: clinical testing. Allele origin: germline.
Comment: This missense variant replaces proline with leucine at codon 324 of the STK11 protein. Computational prediction is inconclusive regarding the impact of this variant on protein structure and function. Experimental studies have reported this variant impairs STK11-mediated activation of the AMPK pathway but does not disrupt kinase activity or anti-proliferative activity (PMID: 19892943, 15800014). This variant has been reported in an individual affected with Peutz-Jeghers Syndrome in the literature (PMID: 10780518). This variant has been identified in 2/217250 chromosomes in the general population by the Genome Aggregation Database (gnomAD). The available evidence is insufficient to determine the role of this variant in disease conclusively. Therefore, this variant is classified as a Variant of Uncertain Significance.

Molecular Pathology, Peter Maccallum Cancer Centre
Classification: Uncertain significance for Peutz-Jeghers syndrome. Last evaluated: 2024-12-14. Review status: criteria provided, single submitter. Criteria: ACMG Guidelines, 2015. Collection method: clinical testing. Allele origin: germline. Inheritance: Autosomal dominant inheritance.

All of Us Research Program, National Institutes of Health
Classification: Uncertain significance for Peutz-Jeghers syndrome. Last evaluated: 2024-06-11. Review status: criteria provided, single submitter. Criteria: ACMG Guidelines, 2015. Collection method: clinical testing. Allele origin: germline. Inheritance: Autosomal dominant inheritance. Observed: 3 variant alleles, 3 heterozygotes.
Comment: This missense variant replaces proline with leucine at codon 324 of the STK11 protein. Computational prediction is inconclusive regarding the impact of this variant on protein structure and function (internally defined REVEL score threshold 0.5 < inconclusive < 0.7, PMID: 27666373). Experimental functional studies have reported this variant impairs STK11-mediated activation of the AMPK pathway but does not disrupt kinase activity or the anti-proliferative activity (PMID: 19892943, 15800014). This variant has been reported in an individual affected with Peutz-Jeghers Syndrome (PJS) in the literature (PMID: 10780518). This variant has been identified in 2/217250 chromosomes in the general population by the Genome Aggregation Database (gnomAD). The available evidence is insufficient to determine the role of this variant in disease conclusively. Therefore, this variant is classified as a Variant of Uncertain Significance.

This study involves interpretation of variants in research participants for the purpose of population health screening. Participant phenotype was not available at the time of variant classification. Additional details can be found in publication PMID: 35346344, PMCID: PMC8962531

Baylor Genetics
Classification: Uncertain significance for Melanoma, cutaneous malignant, susceptibility to, 1. Last evaluated: 2024-03-21. Review status: criteria provided, single submitter. Criteria: ACMG Guidelines, 2015. Collection method: clinical testing. Allele origin: unknown.

Genome-Nilou Lab
Classification: Uncertain significance for Peutz-Jeghers syndrome. Last evaluated: 2021-07-15. Review status: criteria provided, single submitter. Criteria: ACMG Guidelines, 2015. Collection method: clinical testing. Allele origin: germline. Affected: no.

GeneDx
Classification: Uncertain significance. Last evaluated: 2020-12-07. Review status: criteria provided, single submitter. Criteria: GeneDx Variant Classification Process June 2021. Collection method: clinical testing. Allele origin: germline. Affected: yes.
Comment: Not observed at a significant frequency in large population cohorts (Lek et al., 2016); In silico analysis supports that this missense variant has a deleterious effect on protein structure/function; Identified in an individual with Peutz-Jeghers syndrome whose testing did not include deletion/duplication analysis (Yoon 2000); Published functional studies demonstrate reduced AMPK phosphorylation; however, kinase activity, growth arrest, and cellular localization were similar to wild-type (Forcet 2005); This variant is associated with the following publications: (PMID: 18774945, 21097718, 12865922, 9683800, 19892943, 10217080, 25637381, 10780518, 24055113, 15800014)

Blueprint Genetics
Classification: Uncertain significance. Last evaluated: 2020-11-20. Review status: criteria provided, single submitter. Criteria: ACMG Guidelines, 2015. Collection method: clinical testing. Allele origin: germline.

CSER _CC_NCGL, University of Washington
Classification: Uncertain significance for Peutz-Jeghers syndrome. Last evaluated: 2014-06-01. Review status: no assertion criteria provided. Collection method: research. Allele origin: germline. Inheritance: Autosomal dominant inheritance. Study: ESP 6500 variant annotation. Not counted in ClinVar's aggregate classification.
Comment: Variants classified for the Actionable exomic incidental findings in 6503 participants: challenges of variant classification manuscript

Literature cited by the submitters: PubMed 10780518 (cited by 5 submitters); PubMed 15800014 (cited by 5 submitters); PubMed 19892943 (cited by 5 submitters); PubMed 34326862 (cited by Labcorp Genetics (formerly Invitae), Labcorp and Quest Diagnostics Nichols Institute San Juan Capistrano); PubMed 31712642 (cited by Quest Diagnostics Nichols Institute San Juan Capistrano); PubMed 26353884 (cited by Quest Diagnostics Nichols Institute San Juan Capistrano); PubMed 23718828 (cited by Quest Diagnostics Nichols Institute San Juan Capistrano).